The following is an entry in ClinVar:

ClinVar aggregate classification (germline): Uncertain significance (1 of 4 stars; one submission).

Conditions:
Ataxia-telangiectasia syndrome (AT). Also called: Ataxia telangiectasia (A-T); Cerebello-oculocutaneous telangiectasia; Immunodeficiency with ataxia telangiectasia; AT, COMPLEMENTATION GROUP C; ATAXIA-TELANGIECTASIA, COMPLEMENTATION GROUP A; ATAXIA-TELANGIECTASIA, FRESNO VARIANT. Identifiers: Orphanet 100, MedGen C0004135, MONDO:0008840, OMIM 208900.

Submission:

Labcorp Genetics (formerly Invitae), Labcorp
Classification: Uncertain significance for Ataxia-telangiectasia syndrome. Last evaluated: 2022-04-24. Review status: criteria provided, single submitter. Criteria: Invitae Variant Classification Sherloc (09022015). Collection method: clinical testing. Allele origin: germline.
Comment: ClinVar contains an entry for this variant (Variation ID: 859042). Algorithms developed to predict the effect of missense changes on protein structure and function (SIFT, PolyPhen-2, Align-GVGD) all suggest that this variant is likely to be tolerated. In summary, the available evidence is currently insufficient to determine the role of this variant in disease. Therefore, it has been classified as a Variant of Uncertain Significance. This sequence change replaces isoleucine, which is neutral and non-polar, with leucine, which is neutral and non-polar, at codon 709 of the ATM protein (p.Ile709Leu). This variant is not present in population databases (gnomAD no frequency). This variant has not been reported in the literature in individuals affected with ATM-related conditions.

NM_000051.4(ATM):c.2125A>C (p.Ile709Leu)

Gene: ATM (ATM serine/threonine kinase; plus strand). Cytogenetic location: 11q22.3.
Variant type: single nucleotide variant.
Coding change: c.2125A>C on transcript NM_000051.4 (MANE Select); coding-DNA position 2125, A replaced by C.
Protein change: p.Ile709Leu; replaces isoleucine 709 with leucine.
Molecular consequence: missense variant.
Genome position (GRCh38, 1-based): chr11:108,256,215, A>C. VCF-style: chr11-108256215-A-C. GRCh37 (hg19) VCF-style: chr11-108126942-A-C.
Other names: c.2125A>C, p.Ile709Leu (NM_001351834.2); short protein forms I709L.
Identifiers: ClinVar variation 859042 (VCV000859042.9), dbSNP rs864622259, ClinGen allele CA382538633.